The following is an entry in ClinVar:

ClinVar aggregate classification (germline): Uncertain significance (1 of 4 stars; one submission).

Allele frequency attached by ClinVar (database versions not stated): TOPMed below 0.00001; ExAC 0.00001; gnomAD 0.00001.
gnomAD v4.1: 1 of 1,614,114 alleles (0.000062%); highest among the groups gnomAD compares: East Asian, 0.0022%; no homozygotes.

Submission:

Labcorp Genetics (formerly Invitae), Labcorp
Classification: Uncertain significance. Last evaluated: 2025-09-05. Review status: criteria provided, single submitter. Criteria: Invitae Variant Classification Sherloc (09022015). Collection method: clinical testing. Allele origin: germline.
Comment: This sequence change replaces serine, which is neutral and polar, with glycine, which is neutral and non-polar, at codon 358 of the BRD4 protein (p.Ser358Gly). This variant is present in population databases (rs768365682, gnomAD 0.006%). This variant has not been reported in the literature in individuals affected with BRD4-related conditions. ClinVar contains an entry for this variant (Variation ID: 2790302). Invitae Evidence Modeling of protein sequence and biophysical properties (such as structural, functional, and spatial information, amino acid conservation, physicochemical variation, residue mobility, and thermodynamic stability) indicates that this missense variant is not expected to disrupt BRD4 protein function with a negative predictive value of 80%. In summary, the available evidence is currently insufficient to determine the role of this variant in disease. Therefore, it has been classified as a Variant of Uncertain Significance.

NM_001379291.1(BRD4):c.1072A>G (p.Ser358Gly)

Gene: BRD4 (bromodomain containing 4; minus strand). Cytogenetic location: 19p13.12.
Variant type: single nucleotide variant.
Coding change: c.1072A>G on transcript NM_001379291.1 (MANE Select); coding-DNA position 1072, A replaced by G.
Protein change: p.Ser358Gly; replaces serine 358 with glycine.
Molecular consequence: missense variant.
Genome position (GRCh38, 1-based): chr19:15,264,544, T>C on the plus strand (A>G on the coding strand, the complement: BRD4 is on the minus strand). VCF-style: chr19-15264544-T-C. GRCh37 (hg19) VCF-style: chr19-15375355-T-C.
Other names: c.1072A>G, p.Ser358Gly (NM_001330384.2, NM_001379292.1, NM_014299.3 and 1 more transcripts); short protein forms S358G.
Identifiers: ClinVar variation 2790302 (VCV002790302.3), dbSNP rs768365682, ClinGen allele CA9265457.
Genomic context (GRCh38, chr19:15,264,544, plus strand): 5'-TGTAGAAGGGCCAGGCGTAGGCGGCGTGCTTCTTGGCAAACATCTCCTTGAGGATGCCGC[T>C]GCAGCACTTGAGCTGCTCCGAGACCTTGCTGCTCTTCTCTGGTGCTGGGTGCTGCTGAGA-3'
Protein context (NP_001366220.1, residues 348-368): SKVSEQLKCC[Ser358Gly]GILKEMFAKK